The following is an entry in ClinVar:

NM_000038.6(APC):c.5197C>G (p.Pro1733Ala)

Gene: APC (APC regulator of Wnt signaling pathway; plus strand). Cytogenetic location: 5q22.2.
Variant type: single nucleotide variant.
Coding change: c.5197C>G on transcript NM_000038.6 (MANE Select); coding-DNA position 5197, C replaced by G.
Protein change: p.Pro1733Ala; replaces proline 1733 with alanine.
Molecular consequence: missense variant. On other transcripts: non-coding transcript variant (2).
Genome position (GRCh38, 1-based): chr5:112,840,791, C>G. VCF-style: chr5-112840791-C-G. GRCh37 (hg19) VCF-style: chr5-112176488-C-G.
Other names: c.5197C>G, p.Pro1733Ala (NM_001127510.3, NM_001354895.2, NM_001407450.1); c.5143C>G, p.Pro1715Ala (NM_001127511.3); c.5251C>G, p.Pro1751Ala (NM_001354896.2, NM_001407447.1, NM_001407448.1 and 1 more transcripts); c.5227C>G, p.Pro1743Ala (NM_001354897.2); c.5122C>G, p.Pro1708Ala (NM_001354898.2); c.5113C>G, p.Pro1705Ala (NM_001354899.2); c.5074C>G, p.Pro1692Ala (NM_001354900.2); c.5020C>G, p.Pro1674Ala (NM_001354901.2, NM_001407453.1); and 11 more; short protein forms P1450A, P1604A, P1650A, P1692A, P1607A, P1632A, P1705A, P1715A.
Identifiers: ClinVar variation 2452726 (VCV002452726.2), dbSNP rs1441448668, ClinGen allele CA16032690.

ClinVar aggregate classification (germline): Uncertain significance (1 of 4 stars; one submission).

Conditions:
Hereditary cancer-predisposing syndrome. Also called: Neoplastic Syndromes, Hereditary; Tumor predisposition; Hereditary neoplastic syndrome; Hereditary Cancer Syndrome. Identifiers: Orphanet 140162, MedGen C0027672, MeSH D009386, MONDO:0015356.

Submission:

Ambry Genetics
Classification: Uncertain significance for Hereditary cancer-predisposing syndrome. Last evaluated: 2023-02-13. Review status: criteria provided, single submitter. Criteria: Ambry Variant Classification Scheme 2023. Collection method: clinical testing. Allele origin: germline.
Comment: The p.P1733A variant (also known as c.5197C>G), located in coding exon 15 of the APC gene, results from a C to G substitution at nucleotide position 5197. The proline at codon 1733 is replaced by alanine, an amino acid with highly similar properties. This amino acid position is highly conserved in available vertebrate species. In addition, in silico predictors for this gene do not accurately predict pathogenicity. Since supporting evidence is limited at this time, the clinical significance of this alteration remains unclear.